The following is an entry in ClinVar:

ClinVar aggregate classification (germline): Uncertain significance (1 of 4 stars; one submission).

Conditions:
Cystic fibrosis (CF). Also called: MUCOVISCIDOSIS. Identifiers: Orphanet 586, MedGen C0010674, MONDO:0009061, OMIM 219700. Disease mechanism: loss of function.

Submission:

Ambry Genetics
Classification: Uncertain significance for Cystic fibrosis. Last evaluated: 2024-10-18. Review status: criteria provided, single submitter. Criteria: Ambry Variant Classification Scheme 2023. Collection method: clinical testing. Allele origin: germline.
Comment: The p.R1301K variant (also known as c.3902G>A), located in coding exon 24 of the CFTR gene, results from a G to A substitution at nucleotide position 3902. The arginine at codon 1301 is replaced by lysine, an amino acid with highly similar properties. This amino acid position is conserved. In addition, this alteration is predicted to be deleterious by in silico analysis. Based on the available evidence, the clinical significance of this variant remains unclear.

NM_000492.4(CFTR):c.3902G>A (p.Arg1301Lys)

Gene: CFTR (CF transmembrane conductance regulator; plus strand). Cytogenetic location: 7q31.2.
Variant type: single nucleotide variant.
Coding change: c.3902G>A on transcript NM_000492.4 (MANE Select); coding-DNA position 3902, G replaced by A.
Protein change: p.Arg1301Lys; replaces arginine 1301 with lysine.
Molecular consequence: missense variant.
Genome position (GRCh38, 1-based): chr7:117,652,870, G>A. VCF-style: chr7-117652870-G-A. GRCh37 (hg19) VCF-style: chr7-117292924-G-A.
Other names: short protein forms R1301K.
Identifiers: ClinVar variation 3491598 (VCV003491598.1).